The following is an entry in ClinVar:

ClinVar aggregate classification (germline): Pathogenic/Likely pathogenic. Review status: criteria provided, multiple submitters, no conflicts (2 of 4 stars). 3 submissions from 3 submitters: Pathogenic (1); Likely pathogenic (1). 1 of the submissions does not count toward it. Last evaluated 2023-08-10.

Conditions:
Holocarboxylase synthetase deficiency. Also called: MULTIPLE CARBOXYLASE DEFICIENCY, EARLY ONSET. Identifiers: Orphanet 79242, MedGen C0268581, MONDO:0009666, OMIM 253270.

Submissions (3):

Baylor Genetics
Classification: Likely pathogenic for Holocarboxylase synthetase deficiency. Last evaluated: 2023-08-10. Review status: criteria provided, single submitter. Criteria: ACMG Guidelines, 2015. Collection method: clinical testing. Allele origin: unknown.

Labcorp Genetics (formerly Invitae), Labcorp
Classification: Pathogenic for Holocarboxylase synthetase deficiency. Last evaluated: 2020-09-17. Review status: criteria provided, single submitter. Criteria: Invitae Variant Classification Sherloc (09022015). Collection method: clinical testing. Allele origin: germline.
Comment: This sequence change creates a premature translational stop signal (p.Leu420*) in the HLCS gene. It is expected to result in an absent or disrupted protein product. This variant is not present in population databases (ExAC no frequency). For these reasons, this variant has been classified as Pathogenic. Loss-of-function variants in HLCS are known to be pathogenic (PMID: 16134170). This variant has not been reported in the literature in individuals with HLCS-related conditions. ClinVar contains an entry for this variant (Variation ID: 557697).

Counsyl
Classification: Likely pathogenic for Holocarboxylase synthetase deficiency. Last evaluated: 2018-04-10. Review status: no assertion criteria provided. Collection method: clinical testing. Allele origin: unknown. Not counted in ClinVar's aggregate classification.

Literature cited by the submitters: PubMed 16134170 (cited by Labcorp Genetics (formerly Invitae), Labcorp).

NM_001352514.2(HLCS):c.1699_1700del (p.Ser566_Leu567insTer)

Gene: HLCS (holocarboxylase synthetase; minus strand). Cytogenetic location: 21q22.13.
Variant type: Microsatellite.
Coding change: c.1699_1700del on transcript NM_001352514.2 (MANE Select); coding-DNA positions 1699 to 1700, 2 bases deleted (CT; older notation c.1699_1700delCT).
Protein change: p.Ser566_Leu567insTer.
Molecular consequence: nonsense. On other transcripts: non-coding transcript variant (2).
Genome position (GRCh38, 1-based): chr21:36,897,052-36,897,053, AG deleted on the plus strand (CT on the coding strand, the reverse complement: HLCS is on the minus strand); deleting any 2 consecutive bases within chr21:36,897,052-36,897,059 gives the same sequence; the c. name uses the placement nearest the transcript's 3' end. VCF-style (leftmost placement, unchanged base first): chr21-36897051-AAG-A. GRCh37 (hg19) VCF-style: chr21-38269351-AAG-A.
Other names: c.1258_1259del (NM_000411.6); c.1258_1259del, p.Ser419_Leu420insTer (NM_000411.8, NM_001242784.3, NM_001242785.2 and 4 more transcripts).
Identifiers: ClinVar variation 557697 (VCV000557697.10), dbSNP rs1555930523, ClinGen allele CA658823910.